The following is an entry in ClinVar:

NM_018896.5(CACNA1G):c.4912A>G (p.Ile1638Val)

Gene: CACNA1G (calcium voltage-gated channel subunit alpha1 G; plus strand). Cytogenetic location: 17q21.33.
Variant type: single nucleotide variant.
Coding change: c.4912A>G on transcript NM_018896.5 (MANE Select); coding-DNA position 4912, A replaced by G.
Protein change: p.Ile1638Val; replaces isoleucine 1638 with valine.
Molecular consequence: missense variant. On other transcripts: non-coding transcript variant (5).
Genome position (GRCh38, 1-based): chr17:50,616,275, A>G. VCF-style: chr17-50616275-A-G. GRCh37 (hg19) VCF-style: chr17-48693636-A-G.
Other names: c.4858A>G, p.Ile1620Val (NM_001256324.2, NM_001256328.2, NM_198386.3); c.4933A>G, p.Ile1645Val (NM_001256325.2); c.4777A>G, p.Ile1593Val (NM_001256326.2, NM_001256330.2); c.4912A>G, p.Ile1638Val (NM_001256327.2, NM_001256333.2, NM_198384.3 and 1 more transcripts); c.4810A>G, p.Ile1604Val (NM_001256329.2, NM_198376.3, NM_198379.3 and 2 more transcripts); c.4756A>G, p.Ile1586Val (NM_001256331.2); c.4741A>G, p.Ile1581Val (NM_001256332.2); c.4879A>G, p.Ile1627Val (NM_001256334.2, NM_198377.3, NM_198378.3 and 1 more transcripts); and 5 more; short protein forms I1581V, I1586V, I1593V, I1597V, I1600V, I1602V, I1604V, I1611V.
Identifiers: ClinVar variation 3343550 (VCV003343550.1).
Genomic context (GRCh38, chr17:50,616,275, plus strand): 5'-GGGGACAAGCCCCAGCCCTGGGCCTTAAGGGACCCTGCATCTTGCCCCCATCCCTGCCAG[A>G]TTCTGGATGAGGCTCTGAAGATCTGCAACTACATCTTCACTGTCATCTTTGTCTTGGAGT-3'
Protein context (NP_061496.2, residues 1628-1648): MAMEHYQQPQ[Ile1638Val]LDEALKICNY

ClinVar aggregate classification (germline): Uncertain significance (1 of 4 stars; one submission).

Submission:

GeneDx
Classification: Uncertain significance. Last evaluated: 2023-05-23. Review status: criteria provided, single submitter. Criteria: GeneDx Variant Classification Process June 2021. Collection method: clinical testing. Allele origin: germline. Affected: yes.
Comment: Not observed at significant frequency in large population cohorts (gnomAD); In silico analysis supports that this missense variant does not alter protein structure/function; Has not been previously published as pathogenic or benign to our knowledge